The following is an entry in ClinVar:

ClinVar aggregate classification (germline): Likely pathogenic (1 of 4 stars; one submission).

Conditions:
Charcot-Marie-Tooth Neuropathy X. Identifiers: MedGen CN118851.

Submission:

Labcorp Genetics (formerly Invitae), Labcorp
Classification: Likely pathogenic for Charcot-Marie-Tooth Neuropathy X. Last evaluated: 2024-04-09. Review status: criteria provided, single submitter. Criteria: Invitae Variant Classification Sherloc (09022015). Collection method: clinical testing. Allele origin: germline.
Comment: This sequence change replaces isoleucine, which is neutral and non-polar, with threonine, which is neutral and polar, at codon 71 of the GJB1 protein (p.Ile71Thr). This variant is not present in population databases (gnomAD no frequency). This missense change has been observed in individuals with Charcot-Marie-Tooth disease (PMID: 27549087; Invitae). Advanced modeling of protein sequence and biophysical properties (such as structural, functional, and spatial information, amino acid conservation, physicochemical variation, residue mobility, and thermodynamic stability) performed at Invitae indicates that this missense variant is expected to disrupt GJB1 protein function with a positive predictive value of 80%. This variant disrupts the p.Ile71 amino acid residue in GJB1. Other variant(s) that disrupt this residue have been observed in individuals with GJB1-related conditions (PMID: 25595958, 34678594; Invitae), which suggests that this may be a clinically significant amino acid residue. In summary, the currently available evidence indicates that the variant is pathogenic, but additional data are needed to prove that conclusively. Therefore, this variant has been classified as Likely Pathogenic.

Literature cited by the submitters: PubMed 27549087; PubMed 25595958; PubMed 34678594.

NM_000166.6(GJB1):c.212T>C (p.Ile71Thr)

Gene: GJB1 (gap junction protein beta 1; plus strand). Cytogenetic location: Xq13.1.
Variant type: single nucleotide variant.
Coding change: c.212T>C on transcript NM_000166.6 (MANE Select); coding-DNA position 212, T replaced by C.
Protein change: p.Ile71Thr; replaces isoleucine 71 with threonine.
Molecular consequence: missense variant.
Genome position (GRCh38, 1-based): chrX:71,223,919, T>C. VCF-style: chrX-71223919-T-C. GRCh37 (hg19) VCF-style: chrX-70443769-T-C.
Other names: c.212T>C, p.Ile71Thr (NM_001097642.3); short protein forms I71T.
Identifiers: ClinVar variation 2737257 (VCV002737257.3), dbSNP rs1602348932, ClinGen allele CA413501501.